The following is an entry in ClinVar:

NM_001130823.3(DNMT1):c.2347C>G (p.Pro783Ala)

Gene: DNMT1 (DNA methyltransferase 1; minus strand). Cytogenetic location: 19p13.2.
Variant type: single nucleotide variant.
Coding change: c.2347C>G on transcript NM_001130823.3 (MANE Select); coding-DNA position 2347, C replaced by G.
Protein change: p.Pro783Ala; replaces proline 783 with alanine.
Molecular consequence: missense variant.
Genome position (GRCh38, 1-based): chr19:10,149,887, G>C on the plus strand (C>G on the coding strand, the complement: DNMT1 is on the minus strand). VCF-style: chr19-10149887-G-C. GRCh37 (hg19) VCF-style: chr19-10260563-G-C.
Other names: c.2299C>G, p.Pro767Ala (NM_001318730.2, NM_001379.4); c.1984C>G, p.Pro662Ala (NM_001318731.2); short protein forms P662A, P767A, P783A.
Identifiers: ClinVar variation 4531143 (VCV004531143.1).

ClinVar aggregate classification (germline): Uncertain significance (1 of 4 stars; one submission).

Submission:

GeneDx
Classification: Uncertain significance. Last evaluated: 2025-05-20. Review status: criteria provided, single submitter. Criteria: GeneDx Variant Classification Process June 2021. Collection method: clinical testing. Allele origin: germline. Affected: yes.
Comment: Not observed at significant frequency in large population cohorts (gnomAD); In silico analysis supports that this missense variant has a deleterious effect on protein structure/function; Has not been previously published as pathogenic or benign to our knowledge